The following is an entry in ClinVar:

NM_012281.3(KCND2):c.325C>A (p.His109Asn)

Gene: KCND2 (potassium voltage-gated channel subfamily D member 2; plus strand). Cytogenetic location: 7q31.31.
Variant type: single nucleotide variant.
Coding change: c.325C>A on transcript NM_012281.3 (MANE Select); coding-DNA position 325, C replaced by A.
Protein change: p.His109Asn; replaces histidine 109 with asparagine.
Molecular consequence: missense variant.
Genome position (GRCh38, 1-based): chr7:120,274,957, C>A. VCF-style: chr7-120274957-C-A. GRCh37 (hg19) VCF-style: chr7-119915011-C-A.
Other names: short protein forms H109N.
Identifiers: ClinVar variation 1063447 (VCV001063447.9), dbSNP rs2116242666, ClinGen allele CA369131341.

ClinVar aggregate classification (germline): Uncertain significance (1 of 4 stars; one submission).

Conditions:
Early Myoclonic Encephalopathy. Identifiers: MedGen C0270855.

Submission:

Labcorp Genetics (formerly Invitae), Labcorp
Classification: Uncertain significance for Early Myoclonic Encephalopathy. Last evaluated: 2024-12-17. Review status: criteria provided, single submitter. Criteria: Invitae Variant Classification Sherloc (09022015). Collection method: clinical testing. Allele origin: germline.
Comment: This sequence change replaces histidine, which is basic and polar, with asparagine, which is neutral and polar, at codon 109 of the KCND2 protein (p.His109Asn). This variant is not present in population databases (gnomAD no frequency). This variant has not been reported in the literature in individuals affected with KCND2-related conditions. ClinVar contains an entry for this variant (Variation ID: 1063447). Invitae Evidence Modeling of protein sequence and biophysical properties (such as structural, functional, and spatial information, amino acid conservation, physicochemical variation, residue mobility, and thermodynamic stability) indicates that this missense variant is not expected to disrupt KCND2 protein function with a negative predictive value of 95%. In summary, the available evidence is currently insufficient to determine the role of this variant in disease. Therefore, it has been classified as a Variant of Uncertain Significance.